The following is an entry in ClinVar:

ClinVar aggregate classification (germline): Uncertain significance (1 of 4 stars; one submission).

Conditions:
Dilated cardiomyopathy 1G (CMD1G). Identifiers: Orphanet 154, MedGen C1858763, MONDO:0011400, OMIM 604145.

Submission:

KardioGenetik, Herz- und Diabeteszentrum NRW
Classification: Uncertain significance for Dilated cardiomyopathy 1G. Last evaluated: 2024-06-14. Review status: criteria provided, single submitter. Criteria: ACMG Guidelines, 2015. Collection method: clinical testing. Allele origin: unknown. Affected: yes. Observed: 1 variant allele.
Comment: ACMG-criteria applied: PM2_supporting, BP3

NM_001267550.2(TTN):c.33501AGA[7] (p.Glu11172_Tyr11173insGluGlu)

Gene: TTN (titin; minus strand). Cytogenetic location: 2q31.2.
Variant type: Microsatellite.
Coding change: c.33501AGA[7] on transcript NM_001267550.2 (MANE Select); seven copies in a row of the 3-base unit AGA starting at c.33501; the reference has five copies in a row; two copies, 6 bases duplicated; also written c.33510_33515dup.
Protein change: p.Glu11172_Tyr11173insGluGlu.
Molecular consequence: inframe insertion. On other transcripts: intron variant (3).
Genome position (GRCh38, 1-based): chr2:178,679,959-178,679,964, TCTTCT duplicated on the plus strand (AGAAGA on the coding strand, the reverse complement: TTN is on the minus strand); duplicating any 6 consecutive bases within chr2:178,679,959-178,679,973 gives the same sequence; the position shown is the placement nearest the transcript's 3' end. VCF-style (leftmost placement, unchanged base first): chr2-178679958-C-CTCTTCT. GRCh37 (hg19) VCF-style: chr2-179544685-C-CTCTTCT.
Other names: c.32550AGA[7], p.Glu10855_Tyr10856insGluGlu (NM_001256850.1); c.29769AGA[7], p.Glu9928_Tyr9929insGluGlu (NM_133378.4); c.13283-37656AGA[7] (NM_003319.4); c.13859-37656AGA[7] (NM_133437.4); c.13658-37656AGA[7] (NM_133432.3); c.33510_33515dup (NM_001267550.2).
Identifiers: ClinVar variation 3258070 (VCV003258070.1).